The following is an entry in ClinVar:

ClinVar aggregate classification (germline): Benign. Review status: criteria provided, single submitter (1 of 4 stars). 2 submissions from 1 submitter: Benign (2). Last evaluated 2018-01-13.

Conditions:
Branchiootic syndrome 3 (BOS3). Also called: BO SYNDROME 3. Identifiers: MedGen C1842124, MONDO:0012025, OMIM 608389.
Autosomal dominant nonsyndromic hearing loss 23. Identifiers: Orphanet 90635, MedGen C1854594, MONDO:0011519, OMIM 605192.

Allele frequency attached by ClinVar (database versions not stated): gnomAD exomes 0.00217; gnomAD 0.02429 and 0.02596; TOPMed 0.02738; 1000 Genomes Project 0.02855; 1000 Genomes Project 30x 0.03139.
gnomAD v4.1: 3,675 of 156,466 alleles (2.3%); highest among the groups gnomAD compares: African/African-American, 8.4%; 146 homozygotes.

Submissions (2):

Illumina Laboratory Services, Illumina
Classification: Benign for Autosomal dominant nonsyndromic hearing loss 23. Last evaluated: 2018-01-13. Review status: criteria provided, single submitter. Criteria: ICSL Variant Classification Criteria 13 December 2019. Collection method: clinical testing. Allele origin: germline.
Comment: This variant was observed in the ICSL laboratory as part of a predisposition screen in an ostensibly healthy population. It had not been previously curated by ICSL or reported in the Human Gene Mutation Database (HGMD: prior to June 1st, 2018), and was therefore a candidate for classification through an automated scoring system. Utilizing variant allele frequency, disease prevalence and penetrance estimates, and inheritance mode, an automated score was calculated to assess if this variant is too frequent to cause the disease. Based on the score and internal cut-off values, a variant classified as benign is not then subjected to further curation. The score for this variant resulted in a classification of benign for this disease.

Illumina Laboratory Services, Illumina
Classification: Benign for Branchiootic syndrome 3. Last evaluated: 2018-01-13. Review status: criteria provided, single submitter. Criteria: ICSL Variant Classification Criteria 13 December 2019. Collection method: clinical testing. Allele origin: germline.
Comment: the same text as in the submission from Illumina Laboratory Services, Illumina above.

NM_005982.4(SIX1):c.*404A>G

Gene: SIX1 (SIX homeobox 1; minus strand). Cytogenetic location: 14q23.1.
Variant type: single nucleotide variant.
Coding change: c.*404A>G on transcript NM_005982.4 (MANE Select); 404 bases downstream of the stop codon, A replaced by G.
Molecular consequence: 3 prime UTR variant.
Genome position (GRCh38, 1-based): chr14:60,645,879, T>C on the plus strand (A>G on the coding strand, the complement: SIX1 is on the minus strand). VCF-style: chr14-60645879-T-C. GRCh37 (hg19) VCF-style: chr14-61112597-T-C.
Identifiers: ClinVar variation 313457 (VCV000313457.5), dbSNP rs76116881, ClinGen allele CA10634999.
Genomic context (GRCh38, chr14:60,645,879, plus strand): 5'-CTATTTTTATCTCCCTTTCTCTTTCTCTTTCCATTTCCTTTCCCTCTTCACATTTCTCCA[T>C]ATATAAATTAAAAGGAAATAATGAAAATCCAGTTGATTTGCAATTCCCATTCATTGAAAA-3'